The following is an entry in ClinVar:

NM_000520.6(HEXA):c.460-17A>G

Gene: HEXA (hexosaminidase subunit alpha; minus strand). Cytogenetic location: 15q23.
Variant type: single nucleotide variant.
Coding change: c.460-17A>G on transcript NM_000520.6 (MANE Select); 17 bases into the intron before coding-DNA position 460, A replaced by G.
Molecular consequence: intron variant.
Genome position (GRCh38, 1-based): chr15:72,353,195, T>C on the plus strand (A>G on the coding strand, the complement: HEXA is on the minus strand). VCF-style: chr15-72353195-T-C. GRCh37 (hg19) VCF-style: chr15-72645536-T-C.
Other names: c.493-17A>G (NM_001318825.2).
Identifiers: ClinVar variation 1907534 (VCV001907534.2), dbSNP rs200177553, ClinGen allele CA7644988.
Genomic context (GRCh38, chr15:72,353,195, plus strand): 5'-GGAAAGCGGGGAAAGTCCTCAATCTCAGTCTTGTTGATAAAGAACTGTGCAGAACAAACA[T>C]TGAACATGTCAGTTTCAAAGGAAGCTTACTATGGGGGCACAGGGAGATGAAGACAACTCT-3'

ClinVar aggregate classification (germline): Uncertain significance (1 of 4 stars; one submission).

Conditions:
Tay-Sachs disease (TSD). Also called: Hexosaminidase A Deficiency; HEXA DEFICIENCY; HEXA Disorders; GM2 gangliosidosis, type 1; Hexosaminidase alpha-subunit deficiency (variant B); Sphingolipidosis, Tay-Sachs. Identifiers: Orphanet 845, MedGen C0039373, MONDO:0010100, OMIM 272800.

Allele frequency attached by ClinVar (database versions not stated): TOPMed 0.00002; 1000 Genomes Project 30x 0.00016; 1000 Genomes Project 0.00020.
gnomAD v4.1: 14 of 1,446,586 alleles (0.00097%); highest among the groups gnomAD compares: East Asian, 0.014%; no homozygotes.

Submission:

Labcorp Genetics (formerly Invitae), Labcorp
Classification: Uncertain significance for Tay-Sachs disease. Last evaluated: 2022-08-11. Review status: criteria provided, single submitter. Criteria: Invitae Variant Classification Sherloc (09022015). Collection method: clinical testing. Allele origin: germline.
Comment: This sequence change falls in intron 4 of the HEXA gene. It does not directly change the encoded amino acid sequence of the HEXA protein. This variant is present in population databases (rs200177553, gnomAD 0.04%). This variant has not been reported in the literature in individuals affected with HEXA-related conditions. Algorithms developed to predict the effect of sequence changes on RNA splicing suggest that this variant may disrupt the consensus splice site. In summary, the available evidence is currently insufficient to determine the role of this variant in disease. Therefore, it has been classified as a Variant of Uncertain Significance.